The following is an entry in ClinVar:

ClinVar aggregate classification (germline): Uncertain significance (1 of 4 stars; one submission).

Submission:

Genetic Services Laboratory, University of Chicago
Classification: Uncertain significance. Last evaluated: 2020-04-21. Review status: criteria provided, single submitter. Criteria: ACMG Guidelines, 2015. Collection method: clinical testing. Allele origin: germline. Affected: no.
Comment: DNA sequence analysis of the FANCA gene demonstrated a sequence change, c.1247C>T, in exon 14 that results in an amino acid change, p.Ala416Val. This sequence change does not appear to have been previously described in patients with FANCA-related disorders and has also not been described in population databases (gnomAD, ExAC). The p.Ala416Val change affects a poorly conserved amino acid residue located in a domain of the FANCA protein that is not known to be functional. The p.Ala416Val substitution appears to be benign using several in-silico pathogenicity prediction tools (SIFT, PolyPhen2, Align GVGD, REVEL). Due to these contrasting evidences and the lack of functional studies, the clinical significance of the p.Ala416Val change remains unknown at this time.

NM_000135.4(FANCA):c.1247C>T (p.Ala416Val)

Gene: FANCA (FA complementation group A; minus strand). Cytogenetic location: 16q24.3.
Variant type: single nucleotide variant.
Coding change: c.1247C>T on transcript NM_000135.4 (MANE Select); coding-DNA position 1247, C replaced by T.
Protein change: p.Ala416Val; replaces alanine 416 with valine.
Molecular consequence: missense variant.
Genome position (GRCh38, 1-based): chr16:89,791,515, G>A on the plus strand (C>T on the coding strand, the complement: FANCA is on the minus strand). VCF-style: chr16-89791515-G-A. GRCh37 (hg19) VCF-style: chr16-89857923-G-A.
Other names: c.1247C>T, p.Ala416Val (NM_001286167.3); short protein forms A416V.
Identifiers: ClinVar variation 1337633 (VCV001337633.4), dbSNP rs750689577, ClinGen allele CA397464463.